The following is an entry in ClinVar:

NM_006361.6(HOXB13):c.4G>A (p.Glu2Lys)

Gene: HOXB13 (homeobox B13; minus strand). Cytogenetic location: 17q21.32.
Variant type: single nucleotide variant.
Coding change: c.4G>A on transcript NM_006361.6 (MANE Select); coding-DNA position 4, G replaced by A.
Protein change: p.Glu2Lys; replaces glutamic acid 2 with lysine.
Molecular consequence: missense variant.
Genome position (GRCh38, 1-based): chr17:48,728,590, C>T on the plus strand (G>A on the coding strand, the complement: HOXB13 is on the minus strand). VCF-style: chr17-48728590-C-T. GRCh37 (hg19) VCF-style: chr17-46805952-C-T.
Other names: short protein forms E2K.
Identifiers: ClinVar variation 967693 (VCV000967693.9), dbSNP rs1370100687, ClinGen allele CA400110032.
Genomic context (GRCh38, chr17:48,728,590, plus strand): 5'-CCGCTCCCAGCAAGCCTTCGATATCCTTGGCTCCATCCAAGGTGGCATAATTGCCGGGCT[C>T]CATGGAGCCGAGGGTCGGCTCATGAGGTGCGGGGGCGGGGAATCTAGGGGGCACCCAGCT-3'
Protein context (NP_006352.2, residues 1-12): M[Glu2Lys]PGNYATLDGA

ClinVar aggregate classification (germline): Uncertain significance (1 of 4 stars; one submission).

Submission:

Labcorp Genetics (formerly Invitae), Labcorp
Classification: Uncertain significance. Last evaluated: 2019-10-29. Review status: criteria provided, single submitter. Criteria: Invitae Variant Classification Sherloc (09022015). Collection method: clinical testing. Allele origin: germline.
Comment: This variant is not present in population databases (ExAC no frequency). This variant has not been reported in the literature in individuals with HOXB13-related conditions. Algorithms developed to predict the effect of missense changes on protein structure and function (SIFT, PolyPhen-2, Align-GVGD) all suggest that this variant is likely to be tolerated, but these predictions have not been confirmed by published functional studies and their clinical significance is uncertain. In summary, the available evidence is currently insufficient to determine the role of this variant in disease. Therefore, it has been classified as a Variant of Uncertain Significance. This sequence change replaces glutamic acid with lysine at codon 2 of the HOXB13 protein (p.Glu2Lys). The glutamic acid residue is moderately conserved and there is a small physicochemical difference between glutamic acid and lysine.